The following is an entry in ClinVar:

ClinVar aggregate classification (germline): Uncertain significance. Review status: criteria provided, multiple submitters, no conflicts (2 of 4 stars). 2 submissions from 2 submitters: Uncertain significance (2). Last evaluated 2024-05-22.

Conditions:
Junctional epidermolysis bullosa. Identifiers: Orphanet 305, MedGen C0079301, MONDO:0017612.

Allele frequency attached by ClinVar (database versions not stated): ESP Exome Variant Server 0.00008; gnomAD 0.00015 and 0.00017; TOPMed 0.00016.
gnomAD v4.1: 592 of 1,613,794 alleles (0.037%); highest among the groups gnomAD compares: Non-Finnish European, 0.048%; 1 homozygote.

Submissions (2):

GeneDx
Classification: Uncertain significance. Last evaluated: 2024-05-22. Review status: criteria provided, single submitter. Criteria: GeneDx Variant Classification Process June 2021. Collection method: clinical testing. Allele origin: germline. Affected: yes.
Comment: In silico analysis indicates that this missense variant does not alter protein structure/function; Has not been previously published as pathogenic or benign to our knowledge

Illumina Laboratory Services, Illumina
Classification: Uncertain significance for Junctional epidermolysis bullosa. Last evaluated: 2018-01-12. Review status: criteria provided, single submitter. Criteria: ICSL Variant Classification Criteria 13 December 2019. Collection method: clinical testing. Allele origin: germline.

NM_000228.3(LAMB3):c.3061G>C (p.Val1021Leu)

Gene: LAMB3 (laminin subunit beta 3; minus strand). Cytogenetic location: 1q32.2.
Variant type: single nucleotide variant.
Coding change: c.3061G>C on transcript NM_000228.3 (MANE Select); coding-DNA position 3061, G replaced by C.
Protein change: p.Val1021Leu; replaces valine 1021 with leucine.
Molecular consequence: missense variant.
Genome position (GRCh38, 1-based): chr1:209,617,577, C>G on the plus strand (G>C on the coding strand, the complement: LAMB3 is on the minus strand). VCF-style: chr1-209617577-C-G. GRCh37 (hg19) VCF-style: chr1-209790922-C-G.
Other names: c.3061G>C, p.Val1021Leu (NM_001017402.2, NM_001127641.1); short protein forms V1021L.
Identifiers: ClinVar variation 876948 (VCV000876948.5), dbSNP rs376701500, ClinGen allele CA1374980.
Genomic context (GRCh38, chr1:209,617,577, plus strand): 5'-TCCAGAAGTCACCCAGCTGCTTGGTCATGCTTGTCACCAGCTTTTCTGCTGGCCGCAGTA[C>G]CTGCTGAACCTTTGTGGAAAGAGGGAGATCTGGCCTTTGTGGTGGGTCTCATAGGTCGGG-3'
Protein context (NP_000219.2, residues 1011-1031): IQDRVAEVQQ[Val1021Leu]LRPAEKLVTS